The following is an entry in ClinVar:

NM_004453.4(ETFDH):c.1512dup (p.Ile505fs)

Gene: ETFDH (electron transfer flavoprotein dehydrogenase; plus strand). Cytogenetic location: 4q32.1.
Variant type: Duplication.
Coding change: c.1512dup on transcript NM_004453.4 (MANE Select); coding-DNA position 1512, one base duplicated (T; older notation c.1512dupT).
Protein change: p.Ile505fs; shifts the reading frame from isoleucine 505.
Molecular consequence: frameshift variant.
Genome position (GRCh38, 1-based): chr4:158,706,672, T duplicated. VCF-style (leftmost placement, unchanged base first): chr4-158706671-C-CT. GRCh37 (hg19) VCF-style: chr4-159627823-C-CT.
Other names: c.1371dup, p.Ile458fs (NM_001281737.2); c.1329dup, p.Ile444fs (NM_001281738.1); short protein forms I458fs, I444fs, I505fs.
Identifiers: ClinVar variation 1376584 (VCV001376584.6), dbSNP rs2126316172, ClinGen allele CA2573138101.
Genomic context (GRCh38, chr4:158,706,671, plus strand): 5'-CCCTCAAAATTGTTGAAGGTTCTGACTTTGAACGGCTCAAGCCAGCCAAGGATTGCACAC[C>CT]TATTGAGTATCCAAAACCCGATGGACAGATCAGTTTTGACCTCTTGTCATCTGTGGCTCT-3'

ClinVar aggregate classification (germline): Pathogenic (1 of 4 stars; one submission).

Conditions:
Multiple acyl-CoA dehydrogenase deficiency (MADD). Also called: Glutaric acidemia type II; GA 2; Glutaric Acidemia type 2; Glutaric aciduria, type 2; ETHYLMALONIC-ADIPICACIDURIA; GA II. Identifiers: Orphanet 26791, MedGen C0268596, MONDO:0009282, OMIM 231680.

Submission:

Labcorp Genetics (formerly Invitae), Labcorp
Classification: Pathogenic for Multiple acyl-CoA dehydrogenase deficiency. Last evaluated: 2020-12-20. Review status: criteria provided, single submitter. Criteria: Invitae Variant Classification Sherloc (09022015). Collection method: clinical testing. Allele origin: germline.
Comment: This sequence change creates a premature translational stop signal (p.Ile505Tyrfs*2) in the ETFDH gene. It is expected to result in an absent or disrupted protein product. Loss-of-function variants in ETFDH are known to be pathogenic (PMID: 16510302, 23785301). This variant is not present in population databases (ExAC no frequency). This variant has not been reported in the literature in individuals with ETFDH-related conditions. For these reasons, this variant has been classified as Pathogenic.

Literature cited by the submitters: PubMed 16510302; PubMed 23785301.